The following is an entry in ClinVar:

ClinVar aggregate classification (germline): Uncertain significance (1 of 4 stars; one submission).

gnomAD v4.1: 6 of 1,609,650 alleles (0.00037%); highest among the groups gnomAD compares: East Asian, 0.013%; no homozygotes.

Submission:

Mayo Clinic Laboratories, Mayo Clinic
Classification: Uncertain significance. Last evaluated: 2023-11-13. Review status: criteria provided, single submitter. Criteria: ACMG Guidelines, 2015. Collection method: clinical testing. Allele origin: germline. Observed: 1 variant allele.
Comment: BP4, PM2_moderate

NM_000426.4(LAMA2):c.1820C>T (p.Ser607Leu)

Gene: LAMA2 (laminin subunit alpha 2; plus strand). Cytogenetic location: 6q22.33.
Variant type: single nucleotide variant.
Coding change: c.1820C>T on transcript NM_000426.4 (MANE Select); coding-DNA position 1820, C replaced by T.
Protein change: p.Ser607Leu; replaces serine 607 with leucine.
Molecular consequence: missense variant.
Genome position (GRCh38, 1-based): chr6:129,250,149, C>T. VCF-style: chr6-129250149-C-T. GRCh37 (hg19) VCF-style: chr6-129571294-C-T.
Other names: p.Ser607Leu; c.1820C>T, p.Ser607Leu (NM_001079823.2); short protein forms S607L.
Identifiers: ClinVar variation 3379710 (VCV003379710.1).
Genomic context (GRCh38, chr6:129,250,149, plus strand): 5'-ATTATGCATCTTCTGTCTTGTAGCTCCCAGCAGTAGGAGGACAGTTGACATTTACCATAT[C>T]ATATGACCTTGAAGAAGAGGAAGAAGATACAGAACGTGTTCTCCAGCTTATGATTATCTT-3'
Protein context (NP_000417.3, residues 597-617): AVGGQLTFTI[Ser607Leu]YDLEEEEEDT